The following is an entry in ClinVar:

NM_172364.5(CACNA2D4):c.1694T>C (p.Leu565Pro)

Gene: CACNA2D4 (calcium voltage-gated channel auxiliary subunit alpha2delta 4; minus strand). Cytogenetic location: 12p13.33.
Variant type: single nucleotide variant.
Coding change: c.1694T>C on transcript NM_172364.5 (MANE Select); coding-DNA position 1694, T replaced by C.
Protein change: p.Leu565Pro; replaces leucine 565 with proline.
Molecular consequence: missense variant.
Genome position (GRCh38, 1-based): chr12:1,878,340, A>G on the plus strand (T>C on the coding strand, the complement: CACNA2D4 is on the minus strand). VCF-style: chr12-1878340-A-G. GRCh37 (hg19) VCF-style: chr12-1987506-A-G.
Other names: short protein forms L565P.
Identifiers: ClinVar variation 1431240 (VCV001431240.6), dbSNP rs1171506507, ClinGen allele CA383353460.
Genomic context (GRCh38, chr12:1,878,340, plus strand): 5'-GTAAGGATCCCAAGGCAAAGAAGATCTGTACCTACCAGGGGCCGGAGGTCGGGATGGGAG[A>G]GGATGTAGCCATTGTTGGTGTTCAGAAAGGCGTATCCGTGCACTCCAAGCTGCCAGAGTC-3'
Protein context (NP_758952.4, residues 555-575): AFLNTNNGYI[Leu565Pro]SHPDLRPLYR

ClinVar aggregate classification (germline): Uncertain significance (1 of 4 stars; one submission).

Allele frequency attached by ClinVar (database versions not stated): gnomAD exomes 0.00001; TOPMed 0.00001; gnomAD 0.00002.
gnomAD v4.1: 15 of 1,609,954 alleles (0.00093%); highest among the groups gnomAD compares: Middle Eastern, 0.016%; no homozygotes.

Submission:

Labcorp Genetics (formerly Invitae), Labcorp
Classification: Uncertain significance. Last evaluated: 2025-03-17. Review status: criteria provided, single submitter. Criteria: Invitae Variant Classification Sherloc (09022015). Collection method: clinical testing. Allele origin: germline.
Comment: This sequence change replaces leucine, which is neutral and non-polar, with proline, which is neutral and non-polar, at codon 565 of the CACNA2D4 protein (p.Leu565Pro). This variant is present in population databases (no rsID available, gnomAD 0.01%). This variant has not been reported in the literature in individuals affected with CACNA2D4-related conditions. ClinVar contains an entry for this variant (Variation ID: 1431240). An algorithm developed to predict the effect of missense changes on protein structure and function (PolyPhen-2) suggests that this variant is likely to be disruptive. In summary, the available evidence is currently insufficient to determine the role of this variant in disease. Therefore, it has been classified as a Variant of Uncertain Significance.